The following is an entry in ClinVar:

NM_001161352.2(KCNMA1):c.1320C>T (p.Ile440=)

Gene: KCNMA1 (potassium calcium-activated channel subfamily M alpha 1; minus strand). Cytogenetic location: 10q22.3.
Variant type: single nucleotide variant.
Coding change: c.1320C>T on transcript NM_001161352.2 (MANE Select); coding-DNA position 1320, C replaced by T.
Protein change: p.Ile440=; no amino-acid change (isoleucine 440 retained).
Molecular consequence: synonymous variant.
Genome position (GRCh38, 1-based): chr10:77,090,414, G>A on the plus strand (C>T on the coding strand, the complement: KCNMA1 is on the minus strand). VCF-style: chr10-77090414-G-A. GRCh37 (hg19) VCF-style: chr10-78850172-G-A.
Other names: c.1320C>T, p.Ile440= (NM_001014797.3, NM_001161353.2, NM_001271519.2 and 7 more transcripts); c.1158C>T, p.Ile386= (NM_001271518.2); c.780C>T, p.Ile260= (NM_001322838.2).
Identifiers: ClinVar variation 289603 (VCV000289603.62), dbSNP rs45617636, ClinGen allele CA5568484.

ClinVar aggregate classification (germline): Benign/Likely benign. Review status: criteria provided, multiple submitters, no conflicts (2 of 4 stars). 11 submissions from 11 submitters: Benign (3); Likely benign (8). Last evaluated 2026-09-01.

Conditions:
Generalized epilepsy-paroxysmal dyskinesia syndrome (PNKD3). Also called: Paroxysmal nonkinesigenic dyskinesia, 3, with or without generalized epilepsy; Generalized epilepsy and paroxysmal dyskinesia. Identifiers: Orphanet 79137, MedGen C5574945, MONDO:0012276, OMIM 609446.

Allele frequency attached by ClinVar (database versions not stated): 1000 Genomes Project 30x 0.00016; 1000 Genomes Project 0.00020; TOPMed 0.00117; ESP Exome Variant Server 0.00131; gnomAD 0.00145 and 0.00151.
gnomAD v4.1: 3,188 of 1,610,452 alleles (0.2%); highest among the groups gnomAD compares: Middle Eastern, 0.23%; 4 homozygotes.

Submissions (11):

CeGaT Center for Human Genetics Tuebingen
Classification: Likely benign. Last evaluated: 2026-09-01. Review status: criteria provided, single submitter. Criteria: CeGaT Center For Human Genetics Tuebingen Variant Classification Criteria Version 2. Collection method: clinical testing. Allele origin: germline. Affected: yes. Observed: 23 variant alleles.
Comment: KCNMA1: BP4, BP7

Labcorp Genetics (formerly Invitae), Labcorp
Classification: Benign for Generalized epilepsy-paroxysmal dyskinesia syndrome. Last evaluated: 2026-02-03. Review status: criteria provided, single submitter. Criteria: Invitae Variant Classification Sherloc (09022015). Collection method: clinical testing. Allele origin: germline.

ARUP Laboratories, Molecular Genetics and Genomics, ARUP Laboratories
Classification: Benign. Last evaluated: 2025-03-11. Review status: criteria provided, single submitter. Criteria: ARUP Molecular Germline Variant Investigation Process 2024. Collection method: clinical testing. Allele origin: germline.

Blueprint Genetics
Classification: Likely benign. Last evaluated: 2024-11-27. Review status: criteria provided, single submitter. Criteria: ACMG Guidelines, 2015. Collection method: clinical testing. Allele origin: germline.

GeneDx
Classification: Likely benign. Last evaluated: 2021-05-28. Review status: criteria provided, single submitter. Criteria: GeneDx Variant Classification Process June 2021. Collection method: clinical testing. Allele origin: germline. Affected: yes.

Illumina Laboratory Services, Illumina
Classification: Likely benign for Generalized epilepsy-paroxysmal dyskinesia syndrome. Last evaluated: 2018-01-12. Review status: criteria provided, single submitter. Criteria: ICSL Variant Classification Criteria 13 December 2019. Collection method: clinical testing. Allele origin: germline.
Comment: This variant was observed in the ICSL laboratory as part of a predisposition screen in an ostensibly healthy population. It had not been previously curated by ICSL or reported in the Human Gene Mutation Database (HGMD: prior to June 1st, 2018), and was therefore a candidate for classification through an automated scoring system. Utilizing variant allele frequency, disease prevalence and penetrance estimates, and inheritance mode, an automated score was calculated to assess if this variant is too frequent to cause the disease. Based on the score and internal cut-off values, a variant classified as likely benign is not then subjected to further curation. The score for this variant resulted in a classification of likely benign for this disease.

Clinical Genetics DNA and cytogenetics Diagnostics Lab, Erasmus MC, Erasmus Medical Center
Classification: Likely benign for Generalized epilepsy-paroxysmal dyskinesia syndrome. Last evaluated: 2017-08-02. Review status: criteria provided, single submitter. Criteria: ACGS Guidelines, 2013. Collection method: clinical testing. Allele origin: germline. Affected: yes. Study: VKGL Data-share Consensus.

Genome Diagnostics Laboratory, University Medical Center Utrecht
Classification: Likely benign for Generalized epilepsy-paroxysmal dyskinesia syndrome. Last evaluated: 2016-10-05. Review status: criteria provided, single submitter. Criteria: ACGS Guidelines, 2013. Collection method: clinical testing. Allele origin: germline. Affected: yes. Study: VKGL Data-share Consensus.

Athena Diagnostics
Classification: Benign. Last evaluated: 2016-08-19. Review status: criteria provided, single submitter. Criteria: Athena Diagnostics Criteria. Collection method: clinical testing. Allele origin: germline.

Eurofins Ntd Llc (ga)
Classification: Likely benign. Last evaluated: 2016-07-29. Review status: criteria provided, single submitter. Criteria: EGL Classification Definitions 2015. Collection method: clinical testing. Allele origin: germline. Observed: 2 variant alleles, 2 heterozygotes.

Breakthrough Genomics
Classification: Likely benign. Review status: criteria provided, single submitter. Criteria: ACMG Guidelines, 2015. Collection method: not provided. Allele origin: germline. Inheritance: Autosomal recessive inheritance. Affected: yes.